The following is an entry in ClinVar:

NM_000432.4(MYL2):c.103A>G (p.Ile35Val)

Gene: MYL2 (myosin light chain 2; minus strand). Cytogenetic location: 12q24.11.
Variant type: single nucleotide variant.
Coding change: c.103A>G on transcript NM_000432.4 (MANE Select); coding-DNA position 103, A replaced by G.
Protein change: p.Ile35Val; replaces isoleucine 35 with valine.
Molecular consequence: missense variant.
Genome position (GRCh38, 1-based): chr12:110,915,781, T>C on the plus strand (A>G on the coding strand, the complement: MYL2 is on the minus strand). VCF-style: chr12-110915781-T-C. GRCh37 (hg19) VCF-style: chr12-111353585-T-C.
Other names: short protein forms I35V.
Identifiers: ClinVar variation 181428 (VCV000181428.13), dbSNP rs730880946, ClinGen allele CA009829.

ClinVar aggregate classification (germline): Conflicting classifications of pathogenicity. Review status: criteria provided, conflicting classifications (1 of 4 stars). 5 submissions from 5 submitters: Likely pathogenic (1); Uncertain significance (4). Last evaluated 2025-04-09.

Conditions:
Cardiovascular phenotype. Identifiers: MedGen CN230736.
Cardiomyopathy (CMYO). Also called: Cardiomyopathies. Identifiers: Orphanet 167848, MedGen C0878544, MONDO:0004994, HP:0001638. Inheritance: Various modes of inheritance.
Hypertrophic cardiomyopathy 10. Also called: CARDIOMYOPATHY, HYPERTROPHIC, MID-LEFT VENTRICULAR CHAMBER TYPE, 2; MYL2-Related Familial Hypertrophic Cardiomyopathy. Identifiers: MedGen C1834460, MONDO:0012112, OMIM 608758.
Hypertrophic cardiomyopathy. Also called: HYPERTROPHIC MYOCARDIOPATHY. Identifiers: Orphanet 217569, MedGen C0007194, MeSH D002312, MONDO:0005045, HP:0001639.

gnomAD v4.1: 2 of 1,614,096 alleles (0.00012%); highest among the groups gnomAD compares: Non-Finnish European, 0.00017%; no homozygotes.

Submissions (5):

Molecular Diagnostic Laboratory for Inherited Cardiovascular Disease, Montreal Heart Institute
Classification: Uncertain significance for Cardiovascular phenotype. Last evaluated: 2025-04-09. Review status: criteria provided, single submitter. Criteria: ACMG Guidelines, 2015. Collection method: clinical testing. Allele origin: germline. Affected: yes.
Comment: PM2;PP2;PP3;PS4_supp

Ambry Genetics
Classification: Uncertain significance for Cardiovascular phenotype. Last evaluated: 2024-12-19. Review status: criteria provided, single submitter. Criteria: Ambry Variant Classification Scheme 2023. Collection method: clinical testing. Allele origin: germline.
Comment: The p.I35V variant (also known as c.103A>G), located in coding exon 3 of the MYL2 gene, results from an A to G substitution at nucleotide position 103. The isoleucine at codon 35 is replaced by valine, an amino acid with highly similar properties. This variant was reported in individual(s) with features consistent with hypertrophic cardiomyopathy (Berge KE et al. Clin. Genet., 2014 Oct;86:355-60; Murphy SL et al. J Cardiovasc Transl Res, 2016 Apr;9:153-61; Guo X et al. PLoS ONE, 2017 Mar;12:e0174118; Ambry internal data). This amino acid position is highly conserved in available vertebrate species. In addition, this alteration is predicted to be tolerated by in silico analysis. Based on the available evidence, the clinical significance of this variant remains unclear.

Labcorp Genetics (formerly Invitae), Labcorp
Classification: Likely pathogenic for Hypertrophic cardiomyopathy 10. Last evaluated: 2024-09-05. Review status: criteria provided, single submitter. Criteria: Invitae Variant Classification Sherloc (09022015). Collection method: clinical testing. Allele origin: germline.
Comment: This sequence change replaces isoleucine, which is neutral and non-polar, with valine, which is neutral and non-polar, at codon 35 of the MYL2 protein (p.Ile35Val). This variant is not present in population databases (gnomAD no frequency). This missense change has been observed in individuals with hypertrophic cardiomyopathy (PMID: 24111713, 25132132, 26914223; internal data). ClinVar contains an entry for this variant (Variation ID: 181428). An algorithm developed to predict the effect of missense changes on protein structure and function (PolyPhen-2) suggests that this variant is likely to be tolerated. In summary, the currently available evidence indicates that the variant is pathogenic, but additional data are needed to prove that conclusively. Therefore, this variant has been classified as Likely Pathogenic.

Color Diagnostics, LLC DBA Color Health
Classification: Uncertain significance for Cardiomyopathy. Last evaluated: 2023-08-28. Review status: criteria provided, single submitter. Criteria: ACMG Guidelines, 2015. Collection method: clinical testing. Allele origin: germline.
Comment: This missense variant replaces isoleucine with valine at codon 35 of the MYL2 protein. Computational prediction is inconclusive regarding the impact of this variant on protein structure and function (internally defined REVEL score threshold 0.5 < inconclusive < 0.7, PMID: 27666373). To our knowledge, functional studies have not been reported for this variant. This variant has been reported in individuals affected with hypertrophic cardiomyopathy (PMID: 24111713, 24793961, 25132132, 26914223, 28323875). This variant has not been identified in the general population by the Genome Aggregation Database (gnomAD). The available evidence is insufficient to determine the role of this variant in disease conclusively. Therefore, this variant is classified as a Variant of Uncertain Significance.

All of Us Research Program, National Institutes of Health
Classification: Uncertain significance for Hypertrophic cardiomyopathy. Last evaluated: 2023-07-11. Review status: criteria provided, single submitter. Criteria: ACMG Guidelines, 2015. Collection method: clinical testing. Allele origin: germline. Inheritance: Autosomal dominant inheritance. Observed: 1 variant allele, 1 heterozygote.
Comment: This study involves interpretation of variants in research participants for the purpose of population health screening. Participant phenotype was not available at the time of variant classification. Additional details can be found in publication PMID: 35346344, PMCID: PMC8962531

Literature cited by the submitters: PubMed 24111713 (cited by 3 submitters); PubMed 24793961 (cited by Ambry Genetics and Color Diagnostics, LLC DBA Color Health); PubMed 25132132 (cited by 3 submitters); PubMed 26914223 (cited by 3 submitters); PubMed 28323875 (cited by Ambry Genetics and Color Diagnostics, LLC DBA Color Health).